The following is an entry in ClinVar:

ClinVar aggregate classification (germline): Uncertain significance (1 of 4 stars; one submission).

gnomAD v4.1: 10 of 1,605,498 alleles (0.00062%); highest among the groups gnomAD compares: Non-Finnish European, 0.00085%; no homozygotes.

Submission:

GeneDx
Classification: Uncertain significance. Last evaluated: 2019-11-07. Review status: criteria provided, single submitter. Criteria: GeneDx Variant Classification Process June 2021. Collection method: clinical testing. Allele origin: germline. Affected: yes.
Comment: Not observed at a significant frequency in large population cohorts (Lek et al., 2016); In silico analysis, which includes protein predictors and evolutionary conservation, supports that this variant does not alter protein structure/function; Has not been previously published as pathogenic or benign to our knowledge

NM_020822.3(KCNT1):c.3697A>G (p.Thr1233Ala)

Gene: KCNT1 (potassium sodium-activated channel subfamily T member 1; plus strand). Cytogenetic location: 9q34.3.
Variant type: single nucleotide variant.
Coding change: c.3697A>G on transcript NM_020822.3 (MANE Select); coding-DNA position 3697, A replaced by G.
Protein change: p.Thr1233Ala; replaces threonine 1233 with alanine.
Molecular consequence: missense variant.
Genome position (GRCh38, 1-based): chr9:135,792,150, A>G. VCF-style: chr9-135792150-A-G. GRCh37 (hg19) VCF-style: chr9-138683996-A-G.
Other names: c.3625A>G, p.Thr1209Ala (NM_001272003.2); short protein forms T1209A, T1233A.
Identifiers: ClinVar variation 1309923 (VCV001309923.2), dbSNP rs767191241, ClinGen allele CA375494544.